The following is an entry in ClinVar:

NM_001365308.1(BMPER):c.1961C>T (p.Pro654Leu)

Gene: BMPER (BMP binding endothelial regulator; plus strand). Cytogenetic location: 7p14.3.
Variant type: single nucleotide variant.
Coding change: c.1961C>T on transcript NM_001365308.1 (MANE Select); coding-DNA position 1961, C replaced by T.
Protein change: p.Pro654Leu; replaces proline 654 with leucine.
Molecular consequence: missense variant.
Genome position (GRCh38, 1-based): chr7:34,153,176, C>T. VCF-style: chr7-34153176-C-T. GRCh37 (hg19) VCF-style: chr7-34192788-C-T.
Other names: c.1631C>T, p.Pro544Leu (NM_001410872.1); c.1961C>T, p.Pro654Leu (NM_133468.5); short protein forms P544L, P654L.
Identifiers: ClinVar variation 2427954 (VCV002427954.5), dbSNP rs1315864452, ClinGen allele CA367181718.
Genomic context (GRCh38, chr7:34,153,176, plus strand): 5'-TGTACGATACCTGTGGTCCGGGATGTATCAAGACGTGTGACAACTGGAATGAAATTGGTC[C>T]ATGCAACAAGCCGTGCGTTGCTGGGTGCCACTGTCCAGCAAACTTGGTCCTTCACAAGGG-3'
Protein context (NP_001352237.1, residues 644-664): KTCDNWNEIG[Pro654Leu]CNKPCVAGCH

ClinVar aggregate classification (germline): Uncertain significance (1 of 4 stars; one submission).

Allele frequency attached by ClinVar (database versions not stated): gnomAD exomes below 0.00001; gnomAD 0.00001; TOPMed 0.00001.
gnomAD v4.1: 3 of 1,613,878 alleles (0.00019%); highest among the groups gnomAD compares: Admixed American, 0.005%; no homozygotes.

Submission:

Labcorp Genetics (formerly Invitae), Labcorp
Classification: Uncertain significance. Last evaluated: 2022-07-05. Review status: criteria provided, single submitter. Criteria: Invitae Variant Classification Sherloc (09022015). Collection method: clinical testing. Allele origin: germline.
Comment: This sequence change replaces proline, which is neutral and non-polar, with leucine, which is neutral and non-polar, at codon 654 of the BMPER protein (p.Pro654Leu). This variant is present in population databases (no rsID available, gnomAD 0.003%). This variant has not been reported in the literature in individuals affected with BMPER-related conditions. Algorithms developed to predict the effect of missense changes on protein structure and function are either unavailable or do not agree on the potential impact of this missense change (SIFT: "Deleterious"; PolyPhen-2: "Benign"; Align-GVGD: "Class C65"). In summary, the available evidence is currently insufficient to determine the role of this variant in disease. Therefore, it has been classified as a Variant of Uncertain Significance.